The following is an entry in ClinVar:

NM_138420.4(AHNAK2):c.6000A>G (p.Val2000=)

Gene: AHNAK2 (AHNAK nucleoprotein 2; minus strand). Cytogenetic location: 14q32.33.
Variant type: single nucleotide variant.
Coding change: c.6000A>G on transcript NM_138420.4 (MANE Select); coding-DNA position 6000, A replaced by G.
Protein change: p.Val2000=; no amino-acid change (valine 2000 retained).
Molecular consequence: synonymous variant.
Genome position (GRCh38, 1-based): chr14:104,949,451, T>C on the plus strand (A>G on the coding strand, the complement: AHNAK2 is on the minus strand). VCF-style: chr14-104949451-T-C. GRCh37 (hg19) VCF-style: chr14-105415788-T-C.
Other names: c.5700A>G, p.Val1900= (NM_001350929.2).
Identifiers: ClinVar variation 2644767 (VCV002644767.24), dbSNP rs144105260, ClinGen allele CA7381404.

ClinVar aggregate classification (germline): Likely benign (1 of 4 stars; one submission).

Allele frequency attached by ClinVar (database versions not stated): gnomAD exomes 0.00088; ExAC 0.00155; ESP Exome Variant Server 0.00233; gnomAD 0.00354; 1000 Genomes Project 0.00359; 1000 Genomes Project 30x 0.00656.
gnomAD v4.1: 1,839 of 1,581,880 alleles (0.12%); highest among the groups gnomAD compares: African/African-American, 0.99%; 141 homozygotes.

Submission:

CeGaT Center for Human Genetics Tuebingen
Classification: Likely benign. Last evaluated: 2025-11-01. Review status: criteria provided, single submitter. Criteria: CeGaT Center For Human Genetics Tuebingen Variant Classification Criteria Version 2. Collection method: clinical testing. Allele origin: germline. Affected: yes. Observed: 2 variant alleles.
Comment: AHNAK2: BP4, BP7, BS2